The following is an entry in ClinVar:

NM_001182.5(ALDH7A1):c.675C>T (p.Leu225=)

Gene: ALDH7A1 (aldehyde dehydrogenase 7 family member A1; minus strand). Cytogenetic location: 5q23.2.
Variant type: single nucleotide variant.
Coding change: c.675C>T on transcript NM_001182.5 (MANE Select); coding-DNA position 675, C replaced by T.
Protein change: p.Leu225=; no amino-acid change (leucine 225 retained).
Molecular consequence: synonymous variant.
Genome position (GRCh38, 1-based): chr5:126,575,440, G>A on the plus strand (C>T on the coding strand, the complement: ALDH7A1 is on the minus strand). VCF-style: chr5-126575440-G-A. GRCh37 (hg19) VCF-style: chr5-125911132-G-A.
Other names: p.L225L:CTC>CTT; p.Leu225=; c.591C>T, p.Leu197= (NM_001201377.2); c.675C>T, p.Leu225= (NM_001202404.2).
Identifiers: ClinVar variation 128349 (VCV000128349.29), dbSNP rs57902950, ClinGen allele CA288683.

ClinVar aggregate classification (germline): Benign. Review status: criteria provided, multiple submitters, no conflicts (2 of 4 stars). 11 submissions from 11 submitters: Benign (8). 3 of the submissions do not count toward it. Last evaluated 2026-02-03.

Conditions:
Inborn genetic diseases. Identifiers: MedGen C0950123, MeSH D030342.
Pyridoxine-dependent epilepsy (EPEO4). Also called: Pyridoxine-Dependent Seizures; PYRIDOXINE DEPENDENCY WITH SEIZURES; Pyridoxine-Dependent Epilepsy - ALDH7A1; EPILEPSY, EARLY-ONSET, 4, VITAMIN B6-DEPENDENT. Identifiers: Orphanet 3006, MedGen C1849508, MONDO:0009945, OMIM 266100. Disease mechanism: loss of function.

Allele frequency attached by ClinVar (database versions not stated): gnomAD exomes 0.01209 and 0.00460; ExAC 0.01413; gnomAD 0.01833 and 0.01855; 1000 Genomes Project 0.03594; TOPMed 0.02184; 1000 Genomes Project 30x 0.03623; ESP Exome Variant Server 0.01907.
gnomAD v4.1: 9,972 of 1,613,094 alleles (0.62%); highest among the groups gnomAD compares: African/African-American, 5.6%; 268 homozygotes.

Submissions (11):

Labcorp Genetics (formerly Invitae), Labcorp
Classification: Benign for Pyridoxine-dependent epilepsy. Last evaluated: 2026-02-03. Review status: criteria provided, single submitter. Criteria: Invitae Variant Classification Sherloc (09022015). Collection method: clinical testing. Allele origin: germline.

Athena Diagnostics
Classification: Benign. Last evaluated: 2024-12-31. Review status: criteria provided, single submitter. Criteria: Athena Diagnostics Criteria. Collection method: clinical testing. Allele origin: unknown.
Comment: The frequency of this variant in the general population is higher than would generally be expected for pathogenic variants in this gene.

Genome-Nilou Lab
Classification: Benign for Pyridoxine-dependent epilepsy. Last evaluated: 2023-04-11. Review status: criteria provided, single submitter. Criteria: ACMG Guidelines, 2015. Collection method: clinical testing. Allele origin: germline. Affected: no.

Mayo Clinic Laboratories, Mayo Clinic
Classification: Benign. Last evaluated: 2018-04-10. Review status: criteria provided, single submitter. Criteria: ACMG Guidelines, 2015. Collection method: clinical testing. Allele origin: germline. Observed: 20 variant alleles.

Illumina Laboratory Services, Illumina
Classification: Benign for Pyridoxine-dependent epilepsy. Last evaluated: 2018-01-12. Review status: criteria provided, single submitter. Criteria: ICSL Variant Classification Criteria 13 December 2019. Collection method: clinical testing. Allele origin: germline.
Comment: This variant was observed in the ICSL laboratory as part of a predisposition screen in an ostensibly healthy population. It had not been previously curated by ICSL or reported in the Human Gene Mutation Database (HGMD: prior to June 1st, 2018), and was therefore a candidate for classification through an automated scoring system. Utilizing variant allele frequency, disease prevalence and penetrance estimates, and inheritance mode, an automated score was calculated to assess if this variant is too frequent to cause the disease. Based on the score and internal cut-off values, a variant classified as benign is not then subjected to further curation. The score for this variant resulted in a classification of benign for this disease.

Ambry Genetics
Classification: Benign for Inborn genetic diseases. Last evaluated: 2016-03-21. Review status: criteria provided, single submitter. Criteria: Ambry Variant Classification Scheme 2023. Collection method: clinical testing. Allele origin: germline.

GeneDx
Classification: Benign. Last evaluated: 2012-03-08. Review status: criteria provided, single submitter. Criteria: GeneDx Variant Classification (06012015). Collection method: clinical testing. Allele origin: germline. Affected: yes.
Comment: This variant is considered likely benign or benign based on one or more of the following criteria: it is a conservative change, it occurs at a poorly conserved position in the protein, it is predicted to be benign by multiple in silico algorithms, and/or has population frequency not consistent with disease.

PreventionGenetics, part of Exact Sciences
Classification: Benign. Review status: criteria provided, single submitter. Criteria: ACMG Guidelines, 2015. Collection method: clinical testing. Allele origin: germline.

Clinical Genetics, Academic Medical Center
Classification: Benign. Review status: no assertion criteria provided. Collection method: clinical testing. Allele origin: germline. Affected: yes. Study: VKGL Data-share Consensus. Not counted in ClinVar's aggregate classification.

Genetic Services Laboratory, University of Chicago
Classification: Likely benign for AllHighlyPenetrant. Review status: no assertion criteria provided. Collection method: clinical testing. Allele origin: germline. Inheritance: Autosomal recessive inheritance. Not counted in ClinVar's aggregate classification.
Comment: Likely benign based on allele frequency in 1000 Genomes Project or ESP global frequency and its presence in a patient with a rare or unrelated disease phenotype. NOT Sanger confirmed.

Genome Diagnostics Laboratory, University Medical Center Utrecht
Classification: Benign. Review status: no assertion criteria provided. Collection method: clinical testing. Allele origin: germline. Affected: yes. Study: VKGL Data-share Consensus. Not counted in ClinVar's aggregate classification.